The following is an entry in ClinVar:

ClinVar aggregate classification (germline): Conflicting classifications of pathogenicity. Review status: criteria provided, conflicting classifications (1 of 4 stars). 3 submissions from 3 submitters: Uncertain significance (2); Likely benign (1). Last evaluated 2024-09-20.

Conditions:
Agenesis of the corpus callosum with peripheral neuropathy (ACCPN). Also called: CHARLEVOIX DISEASE; POLYNEUROPATHY, SENSORIMOTOR, WITH OR WITHOUT AGENESIS OF THE CORPUS CALLOSUM; HMSN/ACC; Hereditary Motor and Sensory Neuropathy with Agenesis of the Corpus Callosum. Identifiers: Orphanet 1496, MedGen C0795950, MONDO:0000902, OMIM 218000. Disease mechanism: loss of function.

Allele frequency attached by ClinVar (database versions not stated): gnomAD exomes 0.00010; gnomAD 0.00012 and 0.00016; TOPMed 0.00016; 1000 Genomes Project 30x 0.00156; 1000 Genomes Project 0.00160.
gnomAD v4.1: 90 of 754,504 alleles (0.012%); highest among the groups gnomAD compares: Middle Eastern, 0.16%; no homozygotes.

Submissions (3):

3billion
Classification: Likely benign for Agenesis of the corpus callosum with peripheral neuropathy. Last evaluated: 2024-09-20. Review status: criteria provided, single submitter. Criteria: ACMG Guidelines, 2015. Collection method: clinical testing. Allele origin: germline. Affected: no.
Comment: The homozygous variant was found in patients diagnosed with another variant in a different gene, with no symptoms related to the gene containing the homozygous variant.

Illumina Laboratory Services, Illumina
Classification: Uncertain significance for Agenesis of the corpus callosum with peripheral neuropathy. Last evaluated: 2018-01-12. Review status: criteria provided, single submitter. Criteria: ICSL Variant Classification Criteria 13 December 2019. Collection method: clinical testing. Allele origin: germline.

Breakthrough Genomics
Classification: Uncertain significance. Review status: criteria provided, single submitter. Criteria: ACMG Guidelines, 2015. Collection method: not provided. Allele origin: germline. Inheritance: Autosomal recessive inheritance. Affected: yes.

NM_001365088.1(SLC12A6):c.*94G>C

Gene: SLC12A6 (solute carrier family 12 member 6; minus strand). Cytogenetic location: 15q14.
Variant type: single nucleotide variant.
Coding change: c.*94G>C on transcript NM_001365088.1 (MANE Select); 94 bases downstream of the stop codon, G replaced by C.
Molecular consequence: 3 prime UTR variant.
Genome position (GRCh38, 1-based): chr15:34,233,787, C>G on the plus strand (G>C on the coding strand, the complement: SLC12A6 is on the minus strand). VCF-style: chr15-34233787-C-G. GRCh37 (hg19) VCF-style: chr15-34525988-C-G.
Other names: c.*94G>C (NM_001042494.2, NM_001042495.2, NM_001042496.2 and 3 more transcripts).
Identifiers: ClinVar variation 315606 (VCV000315606.7), dbSNP rs117540484, ClinGen allele CA10635818.
Genomic context (GRCh38, chr15:34,233,787, plus strand): 5'-ACAGGTACTTGAGGCTCAGCTCATCAAGAGTTCAGTATGATGTGTACAGAACACAGGCTT[C>G]TAGTTGAGTGGGAGTGGTAGTAATGAGCTGGCACTTCCATGGAGGACGTAGGCCTTTTAA-3'